The following is an entry in ClinVar:

NM_152564.5(VPS13B):c.631T>C (p.Cys211Arg)

Gene: VPS13B (vacuolar protein sorting 13 homolog B; plus strand). Cytogenetic location: 8q22.2.
Variant type: single nucleotide variant.
Coding change: c.631T>C on transcript NM_152564.5 (MANE Select); coding-DNA position 631, T replaced by C.
Protein change: p.Cys211Arg; replaces cysteine 211 with arginine.
Molecular consequence: missense variant. On other transcripts: non-coding transcript variant (1).
Genome position (GRCh38, 1-based): chr8:99,111,148, T>C. VCF-style: chr8-99111148-T-C. GRCh37 (hg19) VCF-style: chr8-100123376-T-C.
Other names: c.631T>C, p.Cys211Arg (NM_015243.3, NM_017890.5, NM_181661.3); short protein forms C211R.
Identifiers: ClinVar variation 4999540 (VCV004999540.1).

ClinVar aggregate classification (germline): Uncertain significance (1 of 4 stars; one submission).

Conditions:
VPS13B-related disorder. Also called: VPS13B-related condition.

Submission:

PreventionGenetics, part of Exact Sciences
Classification: Uncertain significance for VPS13B-related condition. Last evaluated: 2024-10-14. Review status: criteria provided, single submitter. Criteria: ACMG Guidelines, 2015. Collection method: clinical testing. Allele origin: germline.
Comment: The VPS13B c.631T>C variant is predicted to result in the amino acid substitution p.Cys211Arg. To our knowledge, this variant has not been reported in the literature or in a large population database (gnomAD), indicating this variant is rare. At this time, the clinical significance of this variant is uncertain due to the absence of conclusive functional and genetic evidence.